The following is an entry in ClinVar:

ClinVar aggregate classification (germline): Uncertain significance. Review status: criteria provided, multiple submitters, no conflicts (2 of 4 stars). 2 submissions from 2 submitters: Uncertain significance (2). Last evaluated 2025-05-17.

Conditions:
Birt-Hogg-Dube syndrome. Also called: Birt Hogg Dubé syndrome. Identifiers: Orphanet 122, MedGen C0346010, MONDO:0800444.
Hereditary cancer-predisposing syndrome. Also called: Hereditary Cancer Syndrome; Hereditary neoplastic syndrome; Tumor predisposition; Neoplastic Syndromes, Hereditary. Identifiers: Orphanet 140162, MedGen C0027672, MeSH D009386, MONDO:0015356.

Submissions (2):

Ambry Genetics
Classification: Uncertain significance for Hereditary cancer-predisposing syndrome. Last evaluated: 2025-05-17. Review status: criteria provided, single submitter. Criteria: Ambry Variant Classification Scheme 2023. Collection method: clinical testing. Allele origin: germline.
Comment: The p.L460F variant (also known as c.1378C>T), located in coding exon 9 of the FLCN gene, results from a C to T substitution at nucleotide position 1378. The leucine at codon 460 is replaced by phenylalanine, an amino acid with highly similar properties. This amino acid position is conserved. In addition, the in silico prediction for this alteration is inconclusive. Based on the available evidence, the clinical significance of this variant remains unclear.

Labcorp Genetics (formerly Invitae), Labcorp
Classification: Uncertain significance for Birt-Hogg-Dube syndrome. Last evaluated: 2022-12-09. Review status: criteria provided, single submitter. Criteria: Invitae Variant Classification Sherloc (09022015). Collection method: clinical testing. Allele origin: germline.
Comment: In summary, the available evidence is currently insufficient to determine the role of this variant in disease. Therefore, it has been classified as a Variant of Uncertain Significance. Advanced modeling of protein sequence and biophysical properties (such as structural, functional, and spatial information, amino acid conservation, physicochemical variation, residue mobility, and thermodynamic stability) performed at Invitae indicates that this missense variant is not expected to disrupt FLCN protein function. This variant has not been reported in the literature in individuals affected with FLCN-related conditions. This variant is not present in population databases (gnomAD no frequency). This sequence change replaces leucine, which is neutral and non-polar, with phenylalanine, which is neutral and non-polar, at codon 460 of the FLCN protein (p.Leu460Phe).

NM_144997.7(FLCN):c.1378C>T (p.Leu460Phe)

Gene: FLCN (folliculin; minus strand). Cytogenetic location: 17p11.2.
Variant type: single nucleotide variant.
Coding change: c.1378C>T on transcript NM_144997.7 (MANE Select); coding-DNA position 1378, C replaced by T.
Protein change: p.Leu460Phe; replaces leucine 460 with phenylalanine.
Molecular consequence: missense variant.
Genome position (GRCh38, 1-based): chr17:17,215,239, G>A on the plus strand (C>T on the coding strand, the complement: FLCN is on the minus strand). VCF-style: chr17-17215239-G-A. GRCh37 (hg19) VCF-style: chr17-17118553-G-A.
Other names: c.1432C>T, p.Leu478Phe (NM_001353229.2); c.1378C>T, p.Leu460Phe (NM_001353230.2, NM_001353231.2); short protein forms L460F, L478F.
Identifiers: ClinVar variation 2777018 (VCV002777018.4), dbSNP rs2544146478, ClinGen allele CA398531282.
Genomic context (GRCh38, chr17:17,215,239, plus strand): 5'-ACCCACCTCGGTCTGCAGCTACAGGGCTCCCACTGGTCACCACAAACTCGTACTTGCTGA[G>A]AGACTGGTCATCCTCACACCCCACAGGGTGGAGGGTGGAACGTGCGGCTGCGTGGACCTC-3'
Protein context (NP_659434.2, residues 450-470): HPVGCEDDQS[Leu460Phe]SKYEFVVTSG